The following is an entry in ClinVar:

ClinVar aggregate classification (germline): Uncertain significance. Review status: criteria provided, multiple submitters, no conflicts (2 of 4 stars). 3 submissions from 3 submitters: Uncertain significance (3). Last evaluated 2026-02-19.

Conditions:
PCARE-related disorder. Also called: PCARE-related condition.
Inborn genetic diseases. Identifiers: MedGen C0950123, MeSH D030342.

Allele frequency attached by ClinVar (database versions not stated): gnomAD exomes 0.00004 and 0.00014; ExAC 0.00006; TOPMed 0.00015; gnomAD 0.00016.

Submissions (3):

PreventionGenetics, part of Exact Sciences
Classification: Uncertain significance for PCARE-related condition. Last evaluated: 2026-02-19. Review status: criteria provided, single submitter. Criteria: ACMG Guidelines, 2015. Collection method: clinical testing. Allele origin: germline.
Comment: The PCARE c.2222C>T variant is predicted to result in the amino acid substitution p.Thr741Met. To our knowledge, this variant has not been reported in the literature. This variant is present in 0.078% of alleles in individuals of Latino descent in gnomAD, which may be too common to an unreported cause of disease. Although we suspect that this variant may be benign, at this time, the clinical significance of this variant is uncertain due to the absence of conclusive functional and genetic evidence.

Labcorp Genetics (formerly Invitae), Labcorp
Classification: Uncertain significance. Last evaluated: 2025-04-21. Review status: criteria provided, single submitter. Criteria: Invitae Variant Classification Sherloc (09022015). Collection method: clinical testing. Allele origin: germline.
Comment: This sequence change replaces threonine, which is neutral and polar, with methionine, which is neutral and non-polar, at codon 741 of the PCARE protein (p.Thr741Met). This variant is present in population databases (rs758592526, gnomAD 0.08%). This variant has not been reported in the literature in individuals affected with PCARE-related conditions. ClinVar contains an entry for this variant (Variation ID: 845517). An algorithm developed to predict the effect of missense changes on protein structure and function outputs the following: PolyPhen-2: "Benign". The methionine amino acid residue is found in multiple mammalian species, which suggests that this missense change does not adversely affect protein function. In summary, the available evidence is currently insufficient to determine the role of this variant in disease. Therefore, it has been classified as a Variant of Uncertain Significance.

Ambry Genetics
Classification: Uncertain significance for Inborn genetic diseases. Last evaluated: 2021-11-09. Review status: criteria provided, single submitter. Criteria: Ambry Variant Classification Scheme 2023. Collection method: clinical testing. Allele origin: germline.

NM_001029883.3(PCARE):c.2222C>T (p.Thr741Met)

Gene: PCARE (photoreceptor cilium actin regulator; minus strand). Cytogenetic location: 2p23.2.
Variant type: single nucleotide variant.
Coding change: c.2222C>T on transcript NM_001029883.3 (MANE Select); coding-DNA position 2222, C replaced by T.
Protein change: p.Thr741Met; replaces threonine 741 with methionine.
Molecular consequence: missense variant.
Genome position (GRCh38, 1-based): chr2:29,072,040, G>A on the plus strand (C>T on the coding strand, the complement: PCARE is on the minus strand). VCF-style: chr2-29072040-G-A. GRCh37 (hg19) VCF-style: chr2-29294906-G-A.
Other names: c.2222C>T (NM_001029883.1); short protein forms T741M.
Identifiers: ClinVar variation 845517 (VCV000845517.9), dbSNP rs758592526, ClinGen allele CA1592257.